The following is an entry in ClinVar:

ClinVar aggregate classification (germline): Likely benign. Review status: criteria provided, single submitter (1 of 4 stars). 2 submissions from 2 submitters: Likely benign (1). 1 of the submissions does not count toward it. Last evaluated 2024-03-07.

Conditions:
ITPR2-related disorder. Also called: ITPR2-related condition.

Allele frequency attached by ClinVar (database versions not stated): gnomAD exomes 0.00004; gnomAD 0.00012; ExAC 0.00023; 1000 Genomes Project 0.00100; 1000 Genomes Project 30x 0.00109.
gnomAD v4.1: 75 of 1,611,840 alleles (0.0047%); highest among the groups gnomAD compares: East Asian, 0.17%; no homozygotes.

Submissions (2):

Blueprint Genetics
Classification: Likely benign. Last evaluated: 2024-03-07. Review status: criteria provided, single submitter. Criteria: ACMG Guidelines, 2015. Collection method: clinical testing. Allele origin: germline.

PreventionGenetics, part of Exact Sciences
Classification: Likely benign for ITPR2-related condition. Last evaluated: 2019-10-28. Review status: no assertion criteria provided. Collection method: clinical testing. Allele origin: germline. Not counted in ClinVar's aggregate classification.
Comment: This variant is classified as likely benign based on ACMG/AMP sequence variant interpretation guidelines (Richards et al. 2015 PMID: 25741868, with internal and published modifications).

NM_002223.4(ITPR2):c.6096C>T (p.Tyr2032=)

Gene: ITPR2 (inositol 1,4,5-trisphosphate receptor type 2; minus strand). Cytogenetic location: 12p11.23.
Variant type: single nucleotide variant.
Coding change: c.6096C>T on transcript NM_002223.4 (MANE Select); coding-DNA position 6096, C replaced by T.
Protein change: p.Tyr2032=; no amino-acid change (tyrosine 2032 retained).
Molecular consequence: synonymous variant.
Genome position (GRCh38, 1-based): chr12:26,481,158, G>A on the plus strand (C>T on the coding strand, the complement: ITPR2 is on the minus strand). VCF-style: chr12-26481158-G-A. GRCh37 (hg19) VCF-style: chr12-26634091-G-A.
Other names: c.6093C>T, p.Tyr2031= (NM_001414174.1); c.6096C>T, p.Tyr2032= (NM_001414175.1).
Identifiers: ClinVar variation 3040542 (VCV003040542.3), dbSNP rs180906254, ClinGen allele CA6488585.